The following is an entry in ClinVar:

ClinVar aggregate classification (germline): Pathogenic/Likely pathogenic. Review status: criteria provided, multiple submitters, no conflicts (2 of 4 stars). 2 submissions from 2 submitters: Pathogenic (1); Likely pathogenic (1). Last evaluated 2026-01-16.

Conditions:
Developmental and epileptic encephalopathy, 53. Also called: Epileptic encephalopathy, early infantile, 53. Identifiers: MedGen C4479313, MONDO:0033362, OMIM 617389.
Early-onset Parkinson disease 20. Also called: PARKINSON DISEASE 20, AUTOSOMAL RECESSIVE EARLY-ONSET. Identifiers: Orphanet 391411, MedGen C3809824, MONDO:0014233, OMIM 615530.

Submissions (2):

Dasa
Classification: Likely pathogenic. Last evaluated: 2026-01-16. Review status: criteria provided, single submitter. Criteria: DASA Assertion Criteria. Collection method: clinical testing. Allele origin: germline.
Comment: NM_203446.3(SYNJ1):c.3656dup (p.Thr1220Aspfs*3) is a frameshift variant in SYNJ1 predicted to alter the reading frame and introduce a premature termination codon and is predicted to result in an absent or altered protein product. Loss of function is an established disease mechanism for SYNJ1-associated disorders. Also, this variant is rare in population databases. Based on the currently available evidence, this variant is classified as likely pathogenic.

Labcorp Genetics (formerly Invitae), Labcorp
Classification: Pathogenic for Developmental and epileptic encephalopathy, 53; Early-onset Parkinson disease 20. Last evaluated: 2024-05-15. Review status: criteria provided, single submitter. Criteria: Invitae Variant Classification Sherloc (09022015). Collection method: clinical testing. Allele origin: germline.
Comment: This sequence change creates a premature translational stop signal (p.Thr1259Aspfs*3) in the SYNJ1 gene. It is expected to result in an absent or disrupted protein product. Loss-of-function variants in SYNJ1 are known to be pathogenic (PMID: 25316601, 27435091). This variant is not present in population databases (gnomAD no frequency). This variant has not been reported in the literature in individuals affected with SYNJ1-related conditions. ClinVar contains an entry for this variant (Variation ID: 2095036). For these reasons, this variant has been classified as Pathogenic.

Literature cited by the submitters: PubMed 25316601 (cited by Labcorp Genetics (formerly Invitae), Labcorp); PubMed 27435091 (cited by Labcorp Genetics (formerly Invitae), Labcorp).

NM_203446.3(SYNJ1):c.3656dup (p.Thr1220fs)

Gene: SYNJ1 (synaptojanin 1; minus strand). Cytogenetic location: 21q22.11.
Variant type: Duplication.
Coding change: c.3656dup on transcript NM_203446.3 (MANE Select); coding-DNA position 3656, one base duplicated (T; older notation c.3656dupT).
Protein change: p.Thr1220fs; shifts the reading frame from threonine 1220.
Molecular consequence: frameshift variant.
Genome position (GRCh38, 1-based): chr21:32,639,712, A duplicated on the plus strand (T on the coding strand, the reverse complement: SYNJ1 is on the minus strand). VCF-style (leftmost placement, unchanged base first): chr21-32639711-C-CA. GRCh37 (hg19) VCF-style: chr21-34012021-C-CA.
Other names: c.3608dup, p.Thr1204Aspfs (NM_001160302.2); c.3515dup, p.Thr1173fs (NM_001160306.2); c.3773dup, p.Thr1259Aspfs (NM_003895.4); short protein forms T1220fs, T1173fs, T1204fs, T1259fs.
Identifiers: ClinVar variation 2095036 (VCV002095036.6), dbSNP rs2517367397, ClinGen allele CA2580098590.